The following is an entry in ClinVar:

ClinVar aggregate classification (germline): Benign/Likely benign. Review status: criteria provided, multiple submitters, no conflicts (2 of 4 stars). 8 submissions from 8 submitters: Benign (7); Likely benign (1). Last evaluated 2026-02-04.

Conditions:
Hereditary spastic paraplegia. Also called: Familial spastic paraparesis. Identifiers: Orphanet 685, MedGen C0037773, MONDO:0019064. Disease mechanism: loss of function.
Autosomal dominant spastic paraplegia type 9. Identifiers: MedGen C1832669, MONDO:0015091.
Cutis laxa, autosomal dominant 3 (ADCL3). Identifiers: Orphanet 90348, MedGen C4225268, MONDO:0014706, OMIM 616603.
de Barsy syndrome. Also called: Cutis laxa-corneal clouding-oligophrenia syndrome. Identifiers: Orphanet 2962, MedGen C0268354, MONDO:0017569.
ALDH18A1-related de Barsy syndrome. Also called: Cutis laxa, autosomal recessive IIIA; DE BARSY SYNDROME A. Identifiers: Orphanet 2962, Orphanet 35664, MedGen C5234852, MONDO:0009053, OMIM 219150.

Allele frequency attached by ClinVar (database versions not stated): 1000 Genomes Project 0.00599; 1000 Genomes Project 30x 0.00656; TOPMed 0.01863; gnomAD 0.02130 and 0.02201; gnomAD exomes 0.02284 and 0.03014; ExAC 0.02388; ESP Exome Variant Server 0.02476.
gnomAD v4.1: 46,850 of 1,614,066 alleles (2.9%); highest among the groups gnomAD compares: Non-Finnish European, 3.5%; 861 homozygotes.

Submissions (8):

Labcorp Genetics (formerly Invitae), Labcorp
Classification: Benign for Autosomal dominant spastic paraplegia type 9; de Barsy syndrome; Cutis laxa, autosomal dominant 3. Last evaluated: 2026-02-04. Review status: criteria provided, single submitter. Criteria: Invitae Variant Classification Sherloc (09022015). Collection method: clinical testing. Allele origin: germline.

Mayo Clinic Laboratories, Mayo Clinic
Classification: Benign. Last evaluated: 2025-01-28. Review status: criteria provided, single submitter. Criteria: ACMG Guidelines, 2015. Collection method: clinical testing. Allele origin: germline. Observed: 60 variant alleles.
Comment: BS1, BS2, BP4, BP7

Blueprint Genetics
Classification: Likely benign. Last evaluated: 2024-11-27. Review status: criteria provided, single submitter. Criteria: ACMG Guidelines, 2015. Collection method: clinical testing. Allele origin: germline.

Genome Diagnostics Laboratory, The Hospital for Sick Children
Classification: Benign for Hereditary spastic paraplegia. Last evaluated: 2021-11-09. Review status: criteria provided, single submitter. Criteria: ACMG Guidelines, 2015. Collection method: clinical testing. Allele origin: germline. Affected: yes.

Illumina Laboratory Services, Illumina
Classification: Benign for ALDH18A1-related de Barsy syndrome. Last evaluated: 2018-01-13. Review status: criteria provided, single submitter. Criteria: ICSL Variant Classification Criteria 13 December 2019. Collection method: clinical testing. Allele origin: germline.
Comment: This variant was observed in the ICSL laboratory as part of a predisposition screen in an ostensibly healthy population. It had not been previously curated by ICSL or reported in the Human Gene Mutation Database (HGMD: prior to June 1st, 2018), and was therefore a candidate for classification through an automated scoring system. Utilizing variant allele frequency, disease prevalence and penetrance estimates, and inheritance mode, an automated score was calculated to assess if this variant is too frequent to cause the disease. Based on the score and internal cut-off values, a variant classified as benign is not then subjected to further curation. The score for this variant resulted in a classification of benign for this disease.

GeneDx
Classification: Benign. Last evaluated: 2016-11-07. Review status: criteria provided, single submitter. Criteria: GeneDx Variant Classification (06012015). Collection method: clinical testing. Allele origin: germline. Affected: yes.
Comment: This variant is considered likely benign or benign based on one or more of the following criteria: it is a conservative change, it occurs at a poorly conserved position in the protein, it is predicted to be benign by multiple in silico algorithms, and/or has population frequency not consistent with disease.

Breakthrough Genomics
Classification: Benign. Review status: criteria provided, single submitter. Criteria: ACMG Guidelines, 2015. Collection method: not provided. Allele origin: germline. Inheritance: Autosomal recessive inheritance. Affected: yes.

PreventionGenetics, part of Exact Sciences
Classification: Benign. Review status: criteria provided, single submitter. Criteria: ACMG Guidelines, 2015. Collection method: clinical testing. Allele origin: germline.

NM_002860.4(ALDH18A1):c.1029T>C (p.Ile343=)

Gene: ALDH18A1 (aldehyde dehydrogenase 18 family member A1; minus strand). Cytogenetic location: 10q24.1.
Variant type: single nucleotide variant.
Coding change: c.1029T>C on transcript NM_002860.4 (MANE Select); coding-DNA position 1029, T replaced by C.
Protein change: p.Ile343=; no amino-acid change (isoleucine 343 retained).
Molecular consequence: synonymous variant.
Genome position (GRCh38, 1-based): chr10:95,627,491, A>G on the plus strand (T>C on the coding strand, the complement: ALDH18A1 is on the minus strand). VCF-style: chr10-95627491-A-G. GRCh37 (hg19) VCF-style: chr10-97387248-A-G.
Other names: p.Ile343=; c.1023T>C, p.Ile341= (NM_001017423.2, NM_001323415.2); c.696T>C, p.Ile232= (NM_001323412.2, NM_001323416.2); c.1029T>C, p.Ile343= (NM_001323413.2, NM_001323414.2); c.924T>C, p.Ile308= (NM_001323417.2); c.690T>C, p.Ile230= (NM_001323418.2); c.393T>C, p.Ile131= (NM_001323419.2).
Identifiers: ClinVar variation 258823 (VCV000258823.23), dbSNP rs41291566, ClinGen allele CA5620442.
Genomic context (GRCh38, chr10:95,627,491, plus strand): 5'-GAACTATTTACCTGCAGGCTTTACTTCTGAAAAGAAGGTACCAACTTTCTTCCCCTCCAC[A>G]ATGTCTGTGATGACGTGCCCAGACACCTTTGGGTGGGTTCCATTGGCAATAACAACAGAA-3'
Protein context (NP_002851.2, residues 333-353): PKVSGHVITD[Ile343=]VEGKKVGTFF